The following is an entry in ClinVar:

ClinVar aggregate classification (germline): Likely benign. Review status: criteria provided, single submitter (1 of 4 stars). 2 submissions from 2 submitters: Likely benign (1). 1 of the submissions does not count toward it. Last evaluated 2024-01-04.

Conditions:
UCP3-related disorder. Also called: UCP3-related condition.

Allele frequency attached by ClinVar (database versions not stated): ExAC 0.00013; 1000 Genomes Project 30x 0.00016; gnomAD exomes 0.00016; 1000 Genomes Project 0.00020; gnomAD 0.00025; TOPMed 0.00029; ESP Exome Variant Server 0.00039.
gnomAD v4.1: 266 of 1,614,126 alleles (0.016%); highest among the groups gnomAD compares: African/African-American, 0.067%; no homozygotes.

Submissions (2):

Labcorp Genetics (formerly Invitae), Labcorp
Classification: Likely benign. Last evaluated: 2024-01-04. Review status: criteria provided, single submitter. Criteria: Invitae Variant Classification Sherloc (09022015). Collection method: clinical testing. Allele origin: germline.

PreventionGenetics, part of Exact Sciences
Classification: Likely benign for UCP3-related condition. Last evaluated: 2023-08-16. Review status: no assertion criteria provided. Collection method: clinical testing. Allele origin: germline. Not counted in ClinVar's aggregate classification.
Comment: This variant is classified as likely benign based on ACMG/AMP sequence variant interpretation guidelines (Richards et al. 2015 PMID: 25741868, with internal and published modifications).

NM_003356.4(UCP3):c.711G>A (p.Pro237=)

Gene: UCP3 (uncoupling protein 3; minus strand). Cytogenetic location: 11q13.4.
Variant type: single nucleotide variant.
Coding change: c.711G>A on transcript NM_003356.4 (MANE Select); coding-DNA position 711, G replaced by A.
Protein change: p.Pro237=; no amino-acid change (proline 237 retained).
Molecular consequence: synonymous variant.
Genome position (GRCh38, 1-based): chr11:74,003,940, C>T on the plus strand (G>A on the coding strand, the complement: UCP3 is on the minus strand). VCF-style: chr11-74003940-C-T. GRCh37 (hg19) VCF-style: chr11-73714985-C-T.
Other names: c.711G>A (NM_003356.3); c.711G>A, p.Pro237= (NM_022803.3).
Identifiers: ClinVar variation 2764631 (VCV002764631.5), dbSNP rs150067246, ClinGen allele CA6181387.
Genomic context (GRCh38, chr11:74,003,940, plus strand): 5'-GAGGGGGCTGAAGTACTGGCCTGGAGGTGAGTTCATATACCGGGTCTTCACCACGTCCAC[C>T]GGGGAGGCCACCACTGTGGCACAGAAGCCGGCTCCAAAGGCAGAGACAAAGTGGCAGGGG-3'
Protein context (NP_003347.1, residues 227-247): AGFCATVVAS[Pro237=]VDVVKTRYMN